The following is an entry in ClinVar:

NM_001267550.2(TTN):c.103710G>A (p.Trp34570Ter)

Genes: TTN-AS1 (TTN antisense RNA 1; plus strand), TTN (titin; minus strand). Cytogenetic location: 2q31.2.
Variant type: single nucleotide variant.
Coding change: c.103710G>A on transcript NM_001267550.2 (MANE Select); coding-DNA position 103710, G replaced by A.
Protein change: p.Trp34570Ter; replaces tryptophan 34570 with a stop codon.
Molecular consequence: nonsense.
Genome position (GRCh38, 1-based): chr2:178,532,905, C>T on the plus strand (G>A on the coding strand, the complement: TTN is on the minus strand). VCF-style: chr2-178532905-C-T. GRCh37 (hg19) VCF-style: chr2-179397632-C-T.
Other names: c.98787G>A, p.Trp32929Ter (NM_001256850.1); c.76515G>A, p.Trp25505Ter (NM_003319.4); c.96006G>A, p.Trp32002Ter (NM_133378.4); c.76890G>A, p.Trp25630Ter (NM_133432.3); c.77091G>A, p.Trp25697Ter (NM_133437.4); short protein forms W25505*, W25630*, W25697*, W32002*, W32929*, W34570*.
Identifiers: ClinVar variation 2574049 (VCV002574049.1), dbSNP rs2468470030, ClinGen allele CA349413680.

ClinVar aggregate classification (germline): Likely pathogenic (0 of 4 stars; one submission).

Conditions:
Dilated cardiomyopathy 1G (CMD1G). Identifiers: Orphanet 154, MedGen C1858763, MONDO:0011400, OMIM 604145.

Allele frequency attached by ClinVar (database versions not stated): gnomAD exomes below 0.00001.
gnomAD v4.1: 1 of 1,613,886 alleles (0.000062%); highest among the groups gnomAD compares: Non-Finnish European, 0.000085%; no homozygotes.

Submission:

deCODE genetics, Amgen
Classification: Likely pathogenic for Dilated cardiomyopathy 1G. Last evaluated: 2023-07-21. Review status: no assertion criteria provided. Collection method: research. Allele origin: germline. Affected: yes. Observed: 1 variant allele.
Comment: The variant NM_001267550.2:c.103710G>A (chr2:178532905) in TTN was detected in 1 heterozygote out of 58K WGS Icelanders (MAF= 0,001%). This variant has not been reported in ClinVar previously. Based on ACMG criteria (PVS1, PM2) this variant classifies as likely pathogenic.